The following is an entry in ClinVar:

ClinVar aggregate classification (germline): Likely benign. Review status: criteria provided, multiple submitters, no conflicts (2 of 4 stars). 2 submissions from 2 submitters: Likely benign (2). Last evaluated 2025-05-22.

Conditions:
HSD17B4-related disorder. Also called: HSD17B4-related condition; HSD17B4-related disorders.
Bifunctional peroxisomal enzyme deficiency (DBIF). Also called: DBP DEFICIENCY; PBFE DEFICIENCY; D-bifunctional protein deficiency. Identifiers: Orphanet 300, MedGen C0342870, MONDO:0009855, OMIM 261515. Disease mechanism: loss of function.
Perrault syndrome. Also called: Gonadal dysgenesis with auditory dysfunction, autosomal recessive inheritance. Identifiers: Orphanet 2855, MedGen C0685838, MONDO:0017312.

Submissions (2):

PreventionGenetics, part of Exact Sciences
Classification: Likely benign for HSD17B4-related condition. Last evaluated: 2025-05-22. Review status: criteria provided, single submitter. Criteria: ACMG Guidelines, 2015. Collection method: clinical testing. Allele origin: germline.
Comment: This variant is classified as likely benign based on ACMG/AMP sequence variant interpretation guidelines (Richards et al. 2015 PMID: 25741868, with internal and published modifications).

Labcorp Genetics (formerly Invitae), Labcorp
Classification: Likely benign for Perrault syndrome; Bifunctional peroxisomal enzyme deficiency. Last evaluated: 2021-11-11. Review status: criteria provided, single submitter. Criteria: Invitae Variant Classification Sherloc (09022015). Collection method: clinical testing. Allele origin: germline.

NM_000414.4(HSD17B4):c.789A>G (p.Pro263=)

Gene: HSD17B4 (hydroxysteroid 17-beta dehydrogenase 4; plus strand). Cytogenetic location: 5q23.1.
Variant type: single nucleotide variant.
Coding change: c.789A>G on transcript NM_000414.4 (MANE Select); coding-DNA position 789, A replaced by G.
Protein change: p.Pro263=; no amino-acid change (proline 263 retained).
Molecular consequence: synonymous variant. On other transcripts: non-coding transcript variant (2).
Genome position (GRCh38, 1-based): chr5:119,493,867, A>G. VCF-style: chr5-119493867-A-G. GRCh37 (hg19) VCF-style: chr5-118829562-A-G.
Other names: c.864A>G, p.Pro288= (NM_001199291.3); c.735A>G, p.Pro245= (NM_001199292.2); c.717A>G, p.Pro239= (NM_001292027.2); c.369A>G, p.Pro123= (NM_001292028.2); c.780A>G, p.Pro260= (NM_001374497.1); c.789A>G, p.Pro263= (NM_001374498.1); c.462A>G, p.Pro154= (NM_001374499.1); c.348A>G, p.Pro116= (NM_001374500.1); and 2 more.
Identifiers: ClinVar variation 1104844 (VCV001104844.8), dbSNP rs2126758749, ClinGen allele CA446046757.